The following is an entry in ClinVar:

ClinVar aggregate classification (germline): Likely benign. Review status: criteria provided, multiple submitters, no conflicts (2 of 4 stars). 2 submissions from 2 submitters: Likely benign (2). Last evaluated 2023-10-15.

Conditions:
Aortic aneurysm, familial thoracic 8 (AAT8). Identifiers: MedGen C3809513, MONDO:0014187, OMIM 615436.

Allele frequency attached by ClinVar (database versions not stated): gnomAD exomes 0.00002; ExAC 0.00003; gnomAD 0.00003 and 0.00004; TOPMed 0.00006; ESP Exome Variant Server 0.00008.
gnomAD v4.1: 13 of 1,564,418 alleles (0.00083%); highest among the groups gnomAD compares: African/African-American, 0.0097%; no homozygotes.

Submissions (2):

Labcorp Genetics (formerly Invitae), Labcorp
Classification: Likely benign for Aortic aneurysm, familial thoracic 8. Last evaluated: 2023-10-15. Review status: criteria provided, single submitter. Criteria: Invitae Variant Classification Sherloc (09022015). Collection method: clinical testing. Allele origin: germline.

GeneDx
Classification: Likely benign. Last evaluated: 2017-08-22. Review status: criteria provided, single submitter. Criteria: GeneDx Variant Classification (06012015). Collection method: clinical testing. Allele origin: germline. Affected: yes.
Comment: This variant is considered likely benign or benign based on one or more of the following criteria: it is a conservative change, it occurs at a poorly conserved position in the protein, it is predicted to be benign by multiple in silico algorithms, and/or has population frequency not consistent with disease.

NM_006258.4(PRKG1):c.1710-20C>T

Gene: PRKG1 (protein kinase cGMP-dependent 1; plus strand). Cytogenetic location: 10q21.1.
Variant type: single nucleotide variant.
Coding change: c.1710-20C>T on transcript NM_006258.4 (MANE Select); 20 bases into the intron before coding-DNA position 1710, C replaced by T.
Molecular consequence: intron variant.
Genome position (GRCh38, 1-based): chr10:52,288,706, C>T. VCF-style: chr10-52288706-C-T. GRCh37 (hg19) VCF-style: chr10-54048466-C-T.
Other names: c.1710-20C>T (LRG_1135t1); c.1665-20C>T (LRG_1135t2, NM_001098512.3).
Identifiers: ClinVar variation 511611 (VCV000511611.5), dbSNP rs370461631, ClinGen allele CA5503921.